The following is an entry in ClinVar:

NM_024312.5(GNPTAB):c.2937G>C (p.Lys979Asn)

Gene: GNPTAB (N-acetylglucosamine-1-phosphate transferase subunits alpha and beta; minus strand). Cytogenetic location: 12q23.2.
Variant type: single nucleotide variant.
Coding change: c.2937G>C on transcript NM_024312.5 (MANE Select); coding-DNA position 2937, G replaced by C.
Protein change: p.Lys979Asn; replaces lysine 979 with asparagine.
Molecular consequence: missense variant.
Genome position (GRCh38, 1-based): chr12:101,761,325, C>G on the plus strand (G>C on the coding strand, the complement: GNPTAB is on the minus strand). VCF-style: chr12-101761325-C-G. GRCh37 (hg19) VCF-style: chr12-102155103-C-G.
Other names: p.Lys979Asn; short protein forms K979N.
Identifiers: ClinVar variation 2683213 (VCV002683213.1), dbSNP rs2547954504, ClinGen allele CA386296010.
Genomic context (GRCh38, chr12:101,761,325, plus strand): 5'-ATAAAAATAAGAGAAGGCAAACTGCATATCCTCAGAATGGCGCACTTTGTGAAATGACGT[C>G]TTGTCAAATTCTTCAGGGAACCTGTCCAAATATAACATATTACAAACTCTGGATATTCAA-3'
Protein context (NP_077288.2, residues 969-989): LQDMFPEEFD[Lys979Asn]TSFHKVRHSE

ClinVar aggregate classification (germline): Uncertain significance (1 of 4 stars; one submission).

Submission:

Mayo Clinic Laboratories, Mayo Clinic
Classification: Uncertain significance. Last evaluated: 2022-07-22. Review status: criteria provided, single submitter. Criteria: ACMG Guidelines, 2015. Collection method: clinical testing. Allele origin: germline. Observed: 1 variant allele.
Comment: PM2